The following is an entry in ClinVar:

ClinVar aggregate classification (germline): Uncertain significance. Review status: criteria provided, multiple submitters, no conflicts (2 of 4 stars). 2 submissions from 2 submitters: Uncertain significance (2). Last evaluated 2025-06-12.

Conditions:
Inborn genetic diseases. Identifiers: MedGen C0950123, MeSH D030342.

Allele frequency attached by ClinVar (database versions not stated): gnomAD exomes below 0.00001; gnomAD 0.00001; TOPMed 0.00001.
gnomAD v4.1: 8 of 1,614,030 alleles (0.0005%); highest among the groups gnomAD compares: African/African-American, 0.0013%; no homozygotes.

Submissions (2):

Labcorp Genetics (formerly Invitae), Labcorp
Classification: Uncertain significance. Last evaluated: 2025-06-12. Review status: criteria provided, single submitter. Criteria: Invitae Variant Classification Sherloc (09022015). Collection method: clinical testing. Allele origin: germline.
Comment: This sequence change replaces glycine, which is neutral and non-polar, with serine, which is neutral and polar, at codon 687 of the ABCB6 protein (p.Gly687Ser). This variant is present in population databases (no rsID available, gnomAD 0.004%). This variant has not been reported in the literature in individuals affected with ABCB6-related conditions. ClinVar contains an entry for this variant (Variation ID: 2414419). An algorithm developed to predict the effect of missense changes on protein structure and function (PolyPhen-2) suggests that this variant is likely to be disruptive. In summary, the available evidence is currently insufficient to determine the role of this variant in disease. Therefore, it has been classified as a Variant of Uncertain Significance.

Ambry Genetics
Classification: Uncertain significance for Inborn genetic diseases. Last evaluated: 2025-01-31. Review status: criteria provided, single submitter. Criteria: Ambry Variant Classification Scheme 2023. Collection method: clinical testing. Allele origin: germline.

NM_005689.4(ABCB6):c.2059G>A (p.Gly687Ser)

Gene: ABCB6 (ATP binding cassette subfamily B member 6 (LAN blood group); minus strand). Cytogenetic location: 2q35.
Variant type: single nucleotide variant.
Coding change: c.2059G>A on transcript NM_005689.4 (MANE Select); coding-DNA position 2059, G replaced by A.
Protein change: p.Gly687Ser; replaces glycine 687 with serine.
Molecular consequence: missense variant.
Genome position (GRCh38, 1-based): chr2:219,211,018, C>T on the plus strand (G>A on the coding strand, the complement: ABCB6 is on the minus strand). VCF-style: chr2-219211018-C-T. GRCh37 (hg19) VCF-style: chr2-220075740-C-T.
Other names: c.1921G>A, p.Gly641Ser (NM_001349828.2); c.2059G>A (NM_005689.2); short protein forms G641S, G687S.
Identifiers: ClinVar variation 2414419 (VCV002414419.7), dbSNP rs1050020632, ClinGen allele CA65998984.
Genomic context (GRCh38, chr2:219,211,018, plus strand): 5'-CATGGATGCCTGCAGCCTGAGCAGCAGCCTCCACCTCATCATTCCCAGCTGTGACACGGC[C>T]GTAACGGATATTGTCGGCGATGGTGTCATTAAAGAGGACAGTGTCTTGGGGCACAACTCC-3'
Protein context (NP_005680.1, residues 677-697): NDTIADNIRY[Gly687Ser]RVTAGNDEVE